The following is an entry in ClinVar:

ClinVar aggregate classification (germline): Uncertain significance (1 of 4 stars; one submission).

Conditions:
Familial thoracic aortic aneurysm and aortic dissection (TAAD). Also called: Thoracic aortic aneurysms and dissections. Identifiers: Orphanet 91387, MedGen C4707243, MONDO:0019625.

Submission:

Color Diagnostics, LLC DBA Color Health
Classification: Uncertain significance for Familial thoracic aortic aneurysm and aortic dissection. Last evaluated: 2019-09-30. Review status: criteria provided, single submitter. Criteria: ACMG Guidelines, 2015. Collection method: clinical testing. Allele origin: germline.
Comment: This variant causes a T>G nucleotide substitution at the -13 position of intron 50 of the COL3A1 gene. To our knowledge, functional studies have not been performed for this variant. This variant has not been reported in individuals affected with cardiovascular disorders in the literature. This variant has not been identified in the general population by the Genome Aggregation Database (gnomAD). The available evidence is insufficient to determine the role of this variant in disease conclusively. Therefore, this variant is classified as a Variant of Uncertain Significance.

NM_000090.4(COL3A1):c.4255-13T>G

Gene: COL3A1 (collagen type III alpha 1 chain; plus strand). Cytogenetic location: 2q32.2.
Variant type: single nucleotide variant.
Coding change: c.4255-13T>G on transcript NM_000090.4 (MANE Select); 13 bases into the intron before coding-DNA position 4255, T replaced by G.
Molecular consequence: intron variant.
Genome position (GRCh38, 1-based): chr2:189,011,615, T>G. VCF-style: chr2-189011615-T-G. GRCh37 (hg19) VCF-style: chr2-189876341-T-G.
Identifiers: ClinVar variation 921965 (VCV000921965.3), dbSNP rs1688727983, ClinGen allele CA1139657544.